The following is an entry in ClinVar:

ClinVar aggregate classification (germline): Likely benign (1 of 4 stars; one submission).

Conditions:
EFTUD2-related disorder. Also called: EFTUD2-related condition.

gnomAD v4.1: 46 of 1,614,016 alleles (0.0029%); highest among the groups gnomAD compares: South Asian, 0.0055%; no homozygotes.

Submission:

PreventionGenetics, part of Exact Sciences
Classification: Likely benign for EFTUD2-related condition. Last evaluated: 2025-10-31. Review status: criteria provided, single submitter. Criteria: ACMG Guidelines, 2015. Collection method: clinical testing. Allele origin: germline.
Comment: This variant is classified as likely benign based on ACMG/AMP sequence variant interpretation guidelines (Richards et al. 2015 PMID: 25741868, with internal and published modifications).

NM_004247.4(EFTUD2):c.2124G>A (p.Thr708=)

Gene: EFTUD2 (elongation factor Tu GTP binding domain containing 2; minus strand). Cytogenetic location: 17q21.31.
Variant type: single nucleotide variant.
Coding change: c.2124G>A on transcript NM_004247.4 (MANE Select); coding-DNA position 2124, G replaced by A.
Protein change: p.Thr708=; no amino-acid change (threonine 708 retained).
Molecular consequence: synonymous variant.
Genome position (GRCh38, 1-based): chr17:44,854,926, C>T on the plus strand (G>A on the coding strand, the complement: EFTUD2 is on the minus strand). VCF-style: chr17-44854926-C-T. GRCh37 (hg19) VCF-style: chr17-42932294-C-T.
Other names: c.2019G>A, p.Thr673= (NM_001142605.2); c.2124G>A, p.Thr708= (NM_001258353.2); c.2094G>A, p.Thr698= (NM_001258354.2).
Identifiers: ClinVar variation 4989119 (VCV004989119.1).